The following is an entry in ClinVar:

ClinVar aggregate classification (germline): Uncertain significance (1 of 4 stars; one submission).

Conditions:
Long QT syndrome (LQTS). Identifiers: MedGen C0023976, MeSH D008133, MONDO:0002442. Disease mechanism: loss of function. Inheritance: Various modes of inheritance.

Allele frequency attached by ClinVar (database versions not stated): gnomAD exomes below 0.00001.

Submission:

Labcorp Genetics (formerly Invitae), Labcorp
Classification: Uncertain significance for Long QT syndrome. Last evaluated: 2025-01-06. Review status: criteria provided, single submitter. Criteria: Invitae Variant Classification Sherloc (09022015). Collection method: clinical testing. Allele origin: germline.
Comment: This sequence change replaces valine, which is neutral and non-polar, with methionine, which is neutral and non-polar, at codon 384 of the KCNH2 protein (p.Val384Met). This variant is not present in population databases (gnomAD no frequency). This variant has not been reported in the literature in individuals affected with KCNH2-related conditions. ClinVar contains an entry for this variant (Variation ID: 2878056). An algorithm developed to predict the effect of missense changes on protein structure and function (PolyPhen-2) suggests that this variant is likely to be disruptive. In summary, the available evidence is currently insufficient to determine the role of this variant in disease. Therefore, it has been classified as a Variant of Uncertain Significance.

NM_000238.4(KCNH2):c.1150G>A (p.Val384Met)

Gene: KCNH2 (potassium voltage-gated channel subfamily H member 2; minus strand). Cytogenetic location: 7q36.1.
Variant type: single nucleotide variant.
Coding change: c.1150G>A on transcript NM_000238.4 (MANE Select); coding-DNA position 1150, G replaced by A.
Protein change: p.Val384Met; replaces valine 384 with methionine.
Molecular consequence: missense variant. On other transcripts: non-coding transcript variant (2).
Genome position (GRCh38, 1-based): chr7:150,952,832, C>T on the plus strand (G>A on the coding strand, the complement: KCNH2 is on the minus strand). VCF-style: chr7-150952832-C-T. GRCh37 (hg19) VCF-style: chr7-150649920-C-T.
Other names: c.130G>A, p.Val44Met (NM_001204798.2, NM_172057.3); c.862G>A, p.Val288Met (NM_001406753.1, NM_001406756.1); c.973G>A, p.Val325Met (NM_001406755.1); c.850G>A, p.Val284Met (NM_001406757.1); c.1150G>A, p.Val384Met (NM_172056.3); short protein forms V284M, V325M, V384M, V288M, V44M.
Identifiers: ClinVar variation 2878056 (VCV002878056.3), dbSNP rs868190048, ClinGen allele CA169078695.